The following is an entry in ClinVar:

ClinVar aggregate classification (germline): Uncertain significance (1 of 4 stars; one submission).

Conditions:
Long QT syndrome (LQTS). Identifiers: MedGen C0023976, MeSH D008133, MONDO:0002442. Disease mechanism: loss of function. Inheritance: Various modes of inheritance.

Submission:

Labcorp Genetics (formerly Invitae), Labcorp
Classification: Uncertain significance for Long QT syndrome. Last evaluated: 2022-07-26. Review status: criteria provided, single submitter. Criteria: Invitae Variant Classification Sherloc (09022015). Collection method: clinical testing. Allele origin: germline.
Comment: This variant results in a copy number gain of the genomic region encompassing exon(s) 1-11 of the CACNA1C gene. This region includes the initiator codon of the gene. This copy number gain extends beyond the assayed region for this gene and therefore may encompass additional genes. As the precise location of this event is unknown, it may be in tandem or it may be located elsewhere in the genome. This variant has not been reported in the literature in individuals affected with CACNA1C-related conditions. Experimental studies and prediction algorithms are not available or were not evaluated, and the functional significance of this variant is currently unknown. In summary, the available evidence is currently insufficient to determine the role of this variant in disease. Therefore, it has been classified as a Variant of Uncertain Significance.

NC_000012.11:g.(?_2162709)_(2666163_?)dup

Genes: CACNA1C (calcium voltage-gated channel subunit alpha1 C; plus strand), CACNA1C-AS4 (CACNA1C antisense RNA 4; minus strand), CACNA1C-IT3 (CACNA1C intronic transcript 3; plus strand), LOC124625881 (Sharpr-MPRA regulatory region 515; plus strand), LOC126861417 (MED14-independent group 3 enhancer GRCh37_chr12:2629110-2630309; plus strand) and 3 more. Cytogenetic location: 12p13.33.
Variant type: Duplication.
Identifiers: ClinVar variation 456851 (VCV000456851.2).